The following is an entry in ClinVar:

NM_004320.6(ATP2A1):c.1954G>A (p.Ala652Thr)

Gene: ATP2A1 (ATPase sarcoplasmic/endoplasmic reticulum Ca2+ transporting 1; plus strand). Cytogenetic location: 16p11.2.
Variant type: single nucleotide variant.
Coding change: c.1954G>A on transcript NM_004320.6 (MANE Select); coding-DNA position 1954, G replaced by A.
Protein change: p.Ala652Thr; replaces alanine 652 with threonine.
Molecular consequence: missense variant.
Genome position (GRCh38, 1-based): chr16:28,900,770, G>A. VCF-style: chr16-28900770-G-A. GRCh37 (hg19) VCF-style: chr16-28912091-G-A.
Other names: c.1579G>A, p.Ala527Thr (NM_001286075.2); c.1954G>A, p.Ala652Thr (NM_173201.5); short protein forms A652T, A527T.
Identifiers: ClinVar variation 2158272 (VCV002158272.4), dbSNP rs769076880, ClinGen allele CA7987127.

ClinVar aggregate classification (germline): Uncertain significance (1 of 4 stars; one submission).

Conditions:
Brody myopathy. Also called: BRODY DISEASE. Identifiers: Orphanet 53347, MedGen C1832918, MONDO:0010977, OMIM 601003.

Allele frequency attached by ClinVar (database versions not stated): TOPMed below 0.00001; ExAC 0.00001; gnomAD exomes 0.00001.
gnomAD v4.1: 4 of 1,614,196 alleles (0.00025%); highest among the groups gnomAD compares: Non-Finnish European, 0.00025%; no homozygotes.

Submission:

Labcorp Genetics (formerly Invitae), Labcorp
Classification: Uncertain significance for Brody myopathy. Last evaluated: 2022-04-04. Review status: criteria provided, single submitter. Criteria: Invitae Variant Classification Sherloc (09022015). Collection method: clinical testing. Allele origin: germline.
Comment: In summary, the available evidence is currently insufficient to determine the role of this variant in disease. Therefore, it has been classified as a Variant of Uncertain Significance. Algorithms developed to predict the effect of missense changes on protein structure and function are either unavailable or do not agree on the potential impact of this missense change (SIFT: "Deleterious"; PolyPhen-2: "Probably Damaging"; Align-GVGD: "Class C0"). This variant has not been reported in the literature in individuals affected with ATP2A1-related conditions. This variant is present in population databases (rs769076880, gnomAD no frequency). This sequence change replaces alanine, which is neutral and non-polar, with threonine, which is neutral and polar, at codon 652 of the ATP2A1 protein (p.Ala652Thr).